The following is an entry in ClinVar:

NM_006231.4(POLE):c.1459A>C (p.Met487Leu)

Gene: POLE (DNA polymerase epsilon, catalytic subunit; minus strand). Cytogenetic location: 12q24.33.
Variant type: single nucleotide variant.
Coding change: c.1459A>C on transcript NM_006231.4 (MANE Select); coding-DNA position 1459, A replaced by C.
Protein change: p.Met487Leu; replaces methionine 487 with leucine.
Molecular consequence: missense variant.
Genome position (GRCh38, 1-based): chr12:132,673,178, T>G on the plus strand (A>C on the coding strand, the complement: POLE is on the minus strand). VCF-style: chr12-132673178-T-G. GRCh37 (hg19) VCF-style: chr12-133249764-T-G.
Other names: short protein forms M487L.
Identifiers: ClinVar variation 1948277 (VCV001948277.5), dbSNP rs1164814923, ClinGen allele CA387358115.

ClinVar aggregate classification (germline): Uncertain significance (1 of 4 stars; one submission).

Submission:

Labcorp Genetics (formerly Invitae), Labcorp
Classification: Uncertain significance. Last evaluated: 2022-05-29. Review status: criteria provided, single submitter. Criteria: Invitae Variant Classification Sherloc (09022015). Collection method: clinical testing. Allele origin: germline.
Comment: This sequence change replaces methionine, which is neutral and non-polar, with leucine, which is neutral and non-polar, at codon 487 of the POLE protein (p.Met487Leu). This variant is not present in population databases (gnomAD no frequency). This variant has not been reported in the literature in individuals affected with POLE-related conditions. Algorithms developed to predict the effect of missense changes on protein structure and function (SIFT, PolyPhen-2, Align-GVGD) all suggest that this variant is likely to be tolerated. In summary, the available evidence is currently insufficient to determine the role of this variant in disease. Therefore, it has been classified as a Variant of Uncertain Significance.